The following is an entry in ClinVar:

NM_001042492.3(NF1):c.205-2A>C

Gene: NF1 (neurofibromin 1; plus strand). Cytogenetic location: 17q11.2.
Variant type: single nucleotide variant.
Coding change: c.205-2A>C on transcript NM_001042492.3 (MANE Select); the canonical splice acceptor site of the intron before coding-DNA position 205, A replaced by C.
Molecular consequence: splice acceptor variant.
Genome position (GRCh38, 1-based): chr17:31,159,008, A>C. VCF-style: chr17-31159008-A-C. GRCh37 (hg19) VCF-style: chr17-29486026-A-C.
Other names: c.205-2A>C (NM_000267.4, NM_001128147.3).
Identifiers: ClinVar variation 996426 (VCV000996426.7), dbSNP rs1597629679, ClinGen allele CA398989473.

ClinVar aggregate classification (germline): Pathogenic. Review status: criteria provided, multiple submitters, no conflicts (2 of 4 stars). 4 submissions from 4 submitters: Pathogenic (4). Last evaluated 2024-11-04.

Conditions:
Hereditary cancer-predisposing syndrome. Also called: Neoplastic Syndromes, Hereditary; Hereditary neoplastic syndrome; Hereditary Cancer Syndrome; Tumor predisposition. Identifiers: Orphanet 140162, MedGen C0027672, MeSH D009386, MONDO:0015356.
Cardiovascular phenotype. Identifiers: MedGen CN230736.
Neurofibromatosis, type 1 (NF1). Also called: Neurofibromatosis, type I; VON RECKLINGHAUSEN DISEASE; NEUROFIBROMATOSIS, TYPE I, SOMATIC; Peripheral type neurofibromatosis. Identifiers: Orphanet 636, MedGen C0027831, MONDO:0018975, OMIM 162200. Disease mechanism: loss of function.

Allele frequency attached by ClinVar (database versions not stated): gnomAD exomes below 0.00001.
gnomAD v4.1: 3 of 1,543,590 alleles (0.00019%); highest among the groups gnomAD compares: African/African-American, 0.0014%; no homozygotes.

Submissions (4):

Ambry Genetics
Classification: Pathogenic for Cardiovascular phenotype; Hereditary cancer-predisposing syndrome. Last evaluated: 2024-11-04. Review status: criteria provided, single submitter. Criteria: Ambry Variant Classification Scheme 2023. Collection method: clinical testing. Allele origin: germline.
Comment: The c.205-2A>C intronic pathogenic mutation results from an A to C substitution two nucleotides upstream from coding exon 3 in the NF1 gene. This variant was reported in multiple individuals who met clinical criteria for Neurobiromatosis type 1 (Gutmann DH et al. Genome Res, 2013 Mar;23:431-9; Ambry internal data). This variant is considered to be rare based on population cohorts in the Genome Aggregation Database (gnomAD). This nucleotide position is highly conserved in available vertebrate species. In silico splice site analysis predicts that this alteration will weaken the native splice acceptor site and may result in the creation or strengthening of a novel splice acceptor site; however, direct evidence is insufficient at this time (Ambry internal data). Alterations that disrupt the canonical splice site are expected to cause aberrant splicing, resulting in an abnormal protein or a transcript that is subject to nonsense-mediated mRNA decay. As such, this alteration is classified as a disease-causing mutation.

Genome-Nilou Lab
Classification: Pathogenic for Neurofibromatosis, type 1. Last evaluated: 2022-03-15. Review status: criteria provided, single submitter. Criteria: ACMG Guidelines, 2015. Collection method: clinical testing. Allele origin: germline. Affected: no.

Genome Diagnostics Laboratory, The Hospital for Sick Children
Classification: Pathogenic for Neurofibromatosis, type 1. Last evaluated: 2020-10-26. Review status: criteria provided, single submitter. Criteria: ACMG Guidelines, 2015. Collection method: clinical testing. Allele origin: germline. Affected: yes.

Labcorp Genetics (formerly Invitae), Labcorp
Classification: Pathogenic for Neurofibromatosis, type 1. Last evaluated: 2020-03-10. Review status: criteria provided, single submitter. Criteria: Invitae Variant Classification Sherloc (09022015). Collection method: clinical testing. Allele origin: germline.
Comment: This sequence change affects an acceptor splice site in intron 2 of the NF1 gene. It is expected to disrupt RNA splicing and likely results in an absent or disrupted protein product. This variant is not present in population databases (ExAC no frequency). Disruption of this splice site has been observed in individual(s) with neurofibromatosis type 1 (PMID: 23222849, Invitae). Algorithms developed to predict the effect of sequence changes on RNA splicing suggest that this variant may disrupt the consensus splice site, but this prediction has not been confirmed by published transcriptional studies. Donor and acceptor splice site variants typically lead to a loss of protein function (PMID: 16199547), and loss-of-function variants in NF1 are known to be pathogenic (PMID: 10712197, 23913538). For these reasons, this variant has been classified as Pathogenic.

Literature cited by the submitters: PubMed 23222849 (cited by Ambry Genetics and Labcorp Genetics (formerly Invitae), Labcorp); PubMed 16199547 (cited by Labcorp Genetics (formerly Invitae), Labcorp); PubMed 10712197 (cited by Labcorp Genetics (formerly Invitae), Labcorp); PubMed 23913538 (cited by Labcorp Genetics (formerly Invitae), Labcorp).